The following is an entry in ClinVar:

ClinVar aggregate classification (germline): Uncertain significance (1 of 4 stars; one submission).

Conditions:
Perlman syndrome (PRLMNS). Identifiers: Orphanet 2849, MedGen C0796113, MONDO:0009965, OMIM 267000.

Submission:

Labcorp Genetics (formerly Invitae), Labcorp
Classification: Uncertain significance for Perlman syndrome. Last evaluated: 2024-06-03. Review status: criteria provided, single submitter. Criteria: Invitae Variant Classification Sherloc (09022015). Collection method: clinical testing. Allele origin: germline.
Comment: This variant, c.2608_2613del, results in the deletion of 2 amino acid(s) of the DIS3L2 protein (p.Lys870_Glu871del), but otherwise preserves the integrity of the reading frame. This variant is not present in population databases (gnomAD no frequency). This variant has not been reported in the literature in individuals affected with DIS3L2-related conditions. ClinVar contains an entry for this variant (Variation ID: 947812). Experimental studies and prediction algorithms are not available or were not evaluated, and the functional significance of this variant is currently unknown. In summary, the available evidence is currently insufficient to determine the role of this variant in disease. Therefore, it has been classified as a Variant of Uncertain Significance.

NM_152383.5(DIS3L2):c.2608_2613del (p.Lys870_Glu871del)

Gene: DIS3L2 (DIS3 like 3'-5' exoribonuclease 2; plus strand). Cytogenetic location: 2q37.1.
Variant type: Deletion.
Coding change: c.2608_2613del on transcript NM_152383.5 (MANE Select); coding-DNA positions 2608 to 2613, 6 bases deleted (AAGGAG; older notation c.2608_2613delAAGGAG).
Protein change: p.Lys870_Glu871del.
Molecular consequence: inframe deletion. On other transcripts: non-coding transcript variant (2), intron variant (1).
Genome position (GRCh38, 1-based): chr2:232,336,580-232,336,585, AAGGAG deleted; deleting any 6 consecutive bases within chr2:232,336,577-232,336,585 gives the same sequence; the c. name uses the placement nearest the transcript's 3' end. VCF-style (leftmost placement, unchanged base first): chr2-232336576-TGAGAAG-T. GRCh37 (hg19) VCF-style: chr2-233201286-TGAGAAG-T.
Other names: c.1582-6765_1582-6760del (NM_001257281.2).
Identifiers: ClinVar variation 947812 (VCV000947812.9), dbSNP rs1695957683, ClinGen allele CA1139657782.
Genomic context (GRCh38, chr2:232,336,576, plus strand): 5'-CACAGCCCTCAAGTACAGCGCCATCCTGAAGCGGCCAGGCACCCAGGGCCACCTGGGCCC[TGAGAAG>T]GAGGAGGAGGAGTCTGACGGTGAGCCCGAGGACTCAAGCACCAGCTGAGCTCCACCAGCC-3'